The following is an entry in ClinVar:

NM_175867.3(DNMT3L):c.939C>T (p.His313=)

Gene: DNMT3L (DNA methyltransferase 3 like; minus strand). Cytogenetic location: 21q22.3.
Variant type: single nucleotide variant.
Coding change: c.939C>T on transcript NM_175867.3 (MANE Select); coding-DNA position 939, C replaced by T.
Protein change: p.His313=; no amino-acid change (histidine 313 retained).
Molecular consequence: synonymous variant.
Genome position (GRCh38, 1-based): chr21:44,249,082, G>A on the plus strand (C>T on the coding strand, the complement: DNMT3L is on the minus strand). VCF-style: chr21-44249082-G-A. GRCh37 (hg19) VCF-style: chr21-45668965-G-A.
Other names: c.939C>T, p.His313= (NM_013369.4).
Identifiers: ClinVar variation 2652740 (VCV002652740.24), dbSNP rs148066978, ClinGen allele CA321761057.

ClinVar aggregate classification (germline): Likely benign (1 of 4 stars; one submission).

Allele frequency attached by ClinVar (database versions not stated): ESP Exome Variant Server 0.00108; ExAC 0.00111.

Submission:

CeGaT Center for Human Genetics Tuebingen
Classification: Likely benign. Last evaluated: 2022-06-01. Review status: criteria provided, single submitter. Criteria: CeGaT Center For Human Genetics Tuebingen Variant Classification Criteria Version 2. Collection method: clinical testing. Allele origin: germline. Affected: yes. Observed: 1 variant allele.
Comment: DNMT3L: BP4, BP7